The following is an entry in ClinVar:

ClinVar aggregate classification (germline): Benign/Likely benign. Review status: criteria provided, multiple submitters, no conflicts (2 of 4 stars). 2 submissions from 2 submitters: Benign (1); Likely benign (1). Last evaluated 2024-11-20.

Conditions:
Familial adenomatous polyposis 1 (FAP1). Also called: POLYPOSIS, ADENOMATOUS INTESTINAL; FAMILIAL ADENOMATOUS POLYPOSIS 1, ATTENUATED. Identifiers: MedGen C2713442, MONDO:0021056, OMIM 175100. Disease mechanism: loss of function.

Submissions (2):

Labcorp Genetics (formerly Invitae), Labcorp
Classification: Likely benign for Familial adenomatous polyposis 1. Last evaluated: 2024-11-20. Review status: criteria provided, single submitter. Criteria: Invitae Variant Classification Sherloc (09022015). Collection method: clinical testing. Allele origin: germline.

Myriad Genetics, Inc.
Classification: Benign for Familial adenomatous polyposis 1. Last evaluated: 2024-02-22. Review status: criteria provided, single submitter. Criteria: Myriad Autosomal Dominant, Autosomal Recessive and X-Linked Classification Criteria (2023). Collection method: clinical testing. Allele origin: unknown.
Comment: This variant is considered benign. This variant is a silent/synonymous amino acid change and it is not expected to impact splicing.

NM_000038.6(APC):c.276C>G (p.Ser92=)

Gene: APC (APC regulator of Wnt signaling pathway; plus strand). Cytogenetic location: 5q22.2.
Variant type: single nucleotide variant.
Coding change: c.276C>G on transcript NM_000038.6 (MANE Select); coding-DNA position 276, C replaced by G.
Protein change: p.Ser92=; no amino-acid change (serine 92 retained).
Molecular consequence: synonymous variant. On other transcripts: 5 prime UTR variant (1).
Genome position (GRCh38, 1-based): chr5:112,767,244, C>G. VCF-style: chr5-112767244-C-G. GRCh37 (hg19) VCF-style: chr5-112102941-C-G.
Other names: c.276C>G, p.Ser92= (NM_001127510.3, NM_001354895.2, NM_001354896.2 and 2 more transcripts); c.306C>G, p.Ser102= (NM_001127511.3, NM_001354897.2, NM_001354902.2); c.201C>G, p.Ser67= (NM_001354898.2, NM_001354904.2); c.99C>G, p.Ser33= (NM_001354900.2, NM_001354901.2, NM_001354905.2); c.-760C>G (NM_001354906.2).
Identifiers: ClinVar variation 1122564 (VCV001122564.11), dbSNP rs369238363, ClinGen allele CA445753217.